The following is an entry in ClinVar:

NM_004064.5(CDKN1B):c.118G>T (p.Glu40Ter)

Gene: CDKN1B (cyclin dependent kinase inhibitor 1B; plus strand). Cytogenetic location: 12p13.1.
Variant type: single nucleotide variant.
Coding change: c.118G>T on transcript NM_004064.5 (MANE Select); coding-DNA position 118, G replaced by T.
Protein change: p.Glu40Ter; replaces glutamic acid 40 with a stop codon.
Molecular consequence: nonsense.
Genome position (GRCh38, 1-based): chr12:12,717,957, G>T. VCF-style: chr12-12717957-G-T. GRCh37 (hg19) VCF-style: chr12-12870891-G-T.
Other names: short protein forms E40*.
Identifiers: ClinVar variation 4868615 (VCV004868615.1).
Genomic context (GRCh38, chr12:12,717,957, plus strand): 5'-CAGGCGGAGCACCCCAAGCCCTCGGCCTGCAGGAACCTCTTCGGCCCGGTGGACCACGAA[G>T]AGTTAACCCGGGACTTGGAGAAGCACTGCAGAGACATGGAAGAGGCGAGCCAGCGCAAGT-3'

ClinVar aggregate classification (germline): Likely pathogenic (1 of 4 stars; one submission).

Conditions:
Hereditary cancer-predisposing syndrome. Also called: Neoplastic Syndromes, Hereditary; Tumor predisposition; Hereditary Cancer Syndrome; Hereditary neoplastic syndrome. Identifiers: Orphanet 140162, MedGen C0027672, MeSH D009386, MONDO:0015356.

Submission:

Ambry Genetics
Classification: Likely pathogenic for Hereditary cancer-predisposing syndrome. Last evaluated: 2026-03-25. Review status: criteria provided, single submitter. Criteria: Ambry Variant Classification Scheme 2023. Collection method: clinical testing. Allele origin: germline.
Comment: The p.E40* variant (also known as c.118G>T), located in coding exon 1 of the CDKN1B gene, results from a G to T substitution at nucleotide position 118. This changes the amino acid from a glutamic acid to a stop codon within coding exon 1. The predicted stop codon occurs in the 5&rsquo; end of thegene. Premature termination codons in the 5&rsquo; end of a gene have been reported to escape nonsense-mediated mRNAdecay and/or lead to re-initiation (Rivas et al. Science. 2015 May 8;348(6235):666-9; Lindeboom et al. Nat Genet. 2016 Oct;48(10):1112-8; Rhee et al. Sci Rep. 2017 May 10;7(1):1653). Direct evidence for this variant is unavailable, however premature termination codons are typically deleterious in nature. This variant is considered to be rare based on population cohorts in the Genome Aggregation Database (gnomAD). Based on the majority of available evidence to date, this variant is likely to be pathogenic.